The following is an entry in ClinVar:

ClinVar aggregate classification (germline): Uncertain significance (1 of 4 stars; one submission).

Conditions:
Brugada syndrome 4 (BRGDA4). Identifiers: Orphanet 130, MedGen C2678477, MONDO:0012743, OMIM 611876.

Allele frequency attached by ClinVar (database versions not stated): gnomAD exomes below 0.00001; ExAC 0.00001.
gnomAD v4.1: 2 of 1,614,166 alleles (0.00012%); highest among the groups gnomAD compares: Non-Finnish European, 0.00017%; no homozygotes.

Submission:

Labcorp Genetics (formerly Invitae), Labcorp
Classification: Uncertain significance for Brugada syndrome 4. Last evaluated: 2026-01-21. Review status: criteria provided, single submitter. Criteria: Invitae Variant Classification Sherloc (09022015). Collection method: clinical testing. Allele origin: germline.
Comment: This sequence change replaces threonine, which is neutral and polar, with lysine, which is basic and polar, at codon 425 of the CACNB2 protein (p.Thr425Lys). This variant is present in population databases (rs750709385, gnomAD 0.0009%). This variant has not been reported in the literature in individuals affected with CACNB2-related conditions. ClinVar contains an entry for this variant (Variation ID: 1009109). Invitae Evidence Modeling of protein sequence and biophysical properties (such as structural, functional, and spatial information, amino acid conservation, physicochemical variation, residue mobility, and thermodynamic stability) indicates that this missense variant is not expected to disrupt CACNB2 protein function with a negative predictive value of 80%. In summary, the available evidence is currently insufficient to determine the role of this variant in disease. Therefore, it has been classified as a Variant of Uncertain Significance.

NM_201596.3(CACNB2):c.1436C>A (p.Thr479Lys)

Gene: CACNB2 (calcium voltage-gated channel auxiliary subunit beta 2; plus strand). Cytogenetic location: 10p12.31.
Variant type: single nucleotide variant.
Coding change: c.1436C>A on transcript NM_201596.3 (MANE Select); coding-DNA position 1436, C replaced by A.
Protein change: p.Thr479Lys; replaces threonine 479 with lysine.
Molecular consequence: missense variant.
Genome position (GRCh38, 1-based): chr10:18,538,313, C>A. VCF-style: chr10-18538313-C-A. GRCh37 (hg19) VCF-style: chr10-18827242-C-A.
Other names: c.1271C>A, p.Thr424Lys (NM_000724.4); c.1238C>A, p.Thr413Lys (NM_001167945.2); c.1157C>A, p.Thr386Lys (NM_001330060.2); c.1292C>A, p.Thr431Lys (NM_201570.3); c.1352C>A, p.Thr451Lys (NM_201571.4); c.1280C>A, p.Thr427Lys (NM_201572.4); c.1274C>A, p.Thr425Lys (NM_201590.3); c.1322C>A, p.Thr441Lys (NM_201593.3); and 1 more; short protein forms T386K, T413K, T424K, T425K, T427K, T431K, T441K, T451K.
Identifiers: ClinVar variation 1009109 (VCV001009109.8), dbSNP rs750709385, ClinGen allele CA5430027.